The following is an entry in ClinVar:

NM_004434.3(EML1):c.1941C>G (p.Asp647Glu)

Gene: EML1 (EMAP like 1; plus strand). Cytogenetic location: 14q32.2.
Variant type: single nucleotide variant.
Coding change: c.1941C>G on transcript NM_004434.3 (MANE Select); coding-DNA position 1941, C replaced by G.
Protein change: p.Asp647Glu; replaces aspartic acid 647 with glutamic acid.
Molecular consequence: missense variant.
Genome position (GRCh38, 1-based): chr14:99,936,060, C>G. VCF-style: chr14-99936060-C-G. GRCh37 (hg19) VCF-style: chr14-100402397-C-G.
Other names: c.1998C>G, p.Asp666Glu (NM_001008707.2); c.1902C>G, p.Asp634Glu (NM_001375411.1); c.1809C>G, p.Asp603Glu (NM_001375412.1); short protein forms D603E, D634E, D647E, D666E.
Identifiers: ClinVar variation 2869955 (VCV002869955.3), dbSNP rs371654215, ClinGen allele CA7342802.

ClinVar aggregate classification (germline): Uncertain significance (1 of 4 stars; one submission).

Allele frequency attached by ClinVar (database versions not stated): ESP Exome Variant Server 0.00008; gnomAD 0.00001; TOPMed below 0.00001; ExAC 0.00002; gnomAD exomes 0.00004.
gnomAD v4.1: 54 of 1,614,028 alleles (0.0033%); highest among the groups gnomAD compares: Non-Finnish European, 0.0045%; no homozygotes.

Submission:

Labcorp Genetics (formerly Invitae), Labcorp
Classification: Uncertain significance. Last evaluated: 2025-08-22. Review status: criteria provided, single submitter. Criteria: Invitae Variant Classification Sherloc (09022015). Collection method: clinical testing. Allele origin: germline.
Comment: This sequence change replaces aspartic acid, which is acidic and polar, with glutamic acid, which is acidic and polar, at codon 647 of the EML1 protein (p.Asp647Glu). This variant is present in population databases (rs371654215, gnomAD 0.003%). This variant has not been reported in the literature in individuals affected with EML1-related conditions. ClinVar contains an entry for this variant (Variation ID: 2869955). An algorithm developed to predict the effect of missense changes on protein structure and function (PolyPhen-2) suggests that this variant is likely to be tolerated. In summary, the available evidence is currently insufficient to determine the role of this variant in disease. Therefore, it has been classified as a Variant of Uncertain Significance.